The following is an entry in ClinVar:

NM_003183.6(ADAM17):c.668A>G (p.Asn223Ser)

Gene: ADAM17 (ADAM metallopeptidase domain 17; minus strand). Cytogenetic location: 2p25.1.
Variant type: single nucleotide variant.
Coding change: c.668A>G on transcript NM_003183.6 (MANE Select); coding-DNA position 668, A replaced by G.
Protein change: p.Asn223Ser; replaces asparagine 223 with serine.
Molecular consequence: missense variant. On other transcripts: 5 prime UTR variant (1).
Genome position (GRCh38, 1-based): chr2:9,526,196, T>C on the plus strand (A>G on the coding strand, the complement: ADAM17 is on the minus strand). VCF-style: chr2-9526196-T-C. GRCh37 (hg19) VCF-style: chr2-9666325-T-C.
Other names: c.8A>G, p.Asn3Ser (NM_001382777.1); c.-235A>G (NM_001382778.1); c.668A>G (NM_003183.4); short protein forms N223S, N3S.
Identifiers: ClinVar variation 1488820 (VCV001488820.7), dbSNP rs758650568, ClinGen allele CA1523700.
Genomic context (GRCh38, chr2:9,526,196, plus strand): 5'-TCCCCTCTGCCCATGTATCTGTAGAAGCGATGATCTGCTACCACCAATAATTTACACGTG[T>C]TCTTCATGGGATCTGGGTCAGCTCTTCTTTTCACTCGATGAACAAGCTCTAATATGAATT-3'
Protein context (NP_003174.3, residues 213-233): KRRADPDPMK[Asn223Ser]TCKLLVVADH

ClinVar aggregate classification (germline): Uncertain significance. Review status: criteria provided, multiple submitters, no conflicts (2 of 4 stars). 2 submissions from 2 submitters: Uncertain significance (2). Last evaluated 2025-02-09.

Conditions:
Inborn genetic diseases. Identifiers: MedGen C0950123, MeSH D030342.
Inflammatory skin and bowel disease, neonatal, 1. Identifiers: Orphanet 294023, MedGen C3280501, MONDO:0013693, OMIM 614328.

Allele frequency attached by ClinVar (database versions not stated): gnomAD exomes below 0.00001 and 0.00001; ExAC 0.00002; gnomAD 0.00003; TOPMed 0.00003.

Submissions (2):

Ambry Genetics
Classification: Uncertain significance for Inborn genetic diseases. Last evaluated: 2025-02-09. Review status: criteria provided, single submitter. Criteria: Ambry Variant Classification Scheme 2023. Collection method: clinical testing. Allele origin: germline.

Labcorp Genetics (formerly Invitae), Labcorp
Classification: Uncertain significance for Inflammatory skin and bowel disease, neonatal, 1. Last evaluated: 2022-07-29. Review status: criteria provided, single submitter. Criteria: Invitae Variant Classification Sherloc (09022015). Collection method: clinical testing. Allele origin: germline.
Comment: In summary, the available evidence is currently insufficient to determine the role of this variant in disease. Therefore, it has been classified as a Variant of Uncertain Significance. Algorithms developed to predict the effect of missense changes on protein structure and function are either unavailable or do not agree on the potential impact of this missense change (SIFT: "Not Available"; PolyPhen-2: "Possibly Damaging"; Align-GVGD: "Not Available"). ClinVar contains an entry for this variant (Variation ID: 1488820). This variant has not been reported in the literature in individuals affected with ADAM17-related conditions. This variant is present in population databases (rs758650568, gnomAD 0.01%). This sequence change replaces asparagine, which is neutral and polar, with serine, which is neutral and polar, at codon 223 of the ADAM17 protein (p.Asn223Ser).